The following is an entry in ClinVar:

ClinVar aggregate classification (germline): Pathogenic (1 of 4 stars; one submission).

Conditions:
Alstrom syndrome (ALMS). Identifiers: Orphanet 64, MedGen C0268425, MONDO:0008763, OMIM 203800.

Submission:

Labcorp Genetics (formerly Invitae), Labcorp
Classification: Pathogenic for Alstrom syndrome. Last evaluated: 2023-12-18. Review status: criteria provided, single submitter. Criteria: Invitae Variant Classification Sherloc (09022015). Collection method: clinical testing. Allele origin: germline.
Comment: This sequence change creates a premature translational stop signal (p.Thr989Metfs*40) in the ALMS1 gene. It is expected to result in an absent or disrupted protein product. Loss-of-function variants in ALMS1 are known to be pathogenic (PMID: 17594715). This variant is not present in population databases (gnomAD no frequency). This variant has not been reported in the literature in individuals affected with ALMS1-related conditions. ClinVar contains an entry for this variant (Variation ID: 2124888). For these reasons, this variant has been classified as Pathogenic.

Literature cited by the submitters: PubMed 17594715.

NM_001378454.1(ALMS1):c.2963del (p.Thr988fs)

Gene: ALMS1 (ALMS1 centrosome and basal body associated protein; plus strand). Cytogenetic location: 2p13.1.
Variant type: Deletion.
Coding change: c.2963del on transcript NM_001378454.1 (MANE Select); coding-DNA position 2963, one base deleted (C; older notation c.2963delC).
Protein change: p.Thr988fs; shifts the reading frame from threonine 988.
Molecular consequence: frameshift variant.
Genome position (GRCh38, 1-based): chr2:73,449,490, C deleted. VCF-style (leftmost placement, unchanged base first): chr2-73449489-AC-A. GRCh37 (hg19) VCF-style: chr2-73676616-AC-A.
Other names: c.2966del, p.Thr989fs (NM_015120.4); short protein forms T988fs, T989fs.
Identifiers: ClinVar variation 2124888 (VCV002124888.4), dbSNP rs2466096436, ClinGen allele CA2580067901.